The following is an entry in ClinVar:

ClinVar aggregate classification (germline): Uncertain significance (1 of 4 stars; one submission).

Submission:

Labcorp Genetics (formerly Invitae), Labcorp
Classification: Uncertain significance. Last evaluated: 2022-06-11. Review status: criteria provided, single submitter. Criteria: Invitae Variant Classification Sherloc (09022015). Collection method: clinical testing. Allele origin: germline.
Comment: In summary, the available evidence is currently insufficient to determine the role of this variant in disease. Therefore, it has been classified as a Variant of Uncertain Significance. Algorithms developed to predict the effect of missense changes on protein structure and function output the following: SIFT: "Tolerated"; PolyPhen-2: "Benign"; Align-GVGD: "Class C0". The leucine amino acid residue is found in multiple mammalian species, which suggests that this missense change does not adversely affect protein function. This variant has not been reported in the literature in individuals affected with C8B-related conditions. This variant is not present in population databases (gnomAD no frequency). This sequence change replaces proline, which is neutral and non-polar, with leucine, which is neutral and non-polar, at codon 35 of the C8B protein (p.Pro35Leu).

NM_000066.4(C8B):c.104C>T (p.Pro35Leu)

Gene: C8B (complement C8 beta chain; minus strand). Cytogenetic location: 1p32.2.
Variant type: single nucleotide variant.
Coding change: c.104C>T on transcript NM_000066.4 (MANE Select); coding-DNA position 104, C replaced by T.
Protein change: p.Pro35Leu; replaces proline 35 with leucine.
Molecular consequence: missense variant. On other transcripts: 5 prime UTR variant (2).
Genome position (GRCh38, 1-based): chr1:56,960,165, G>A on the plus strand (C>T on the coding strand, the complement: C8B is on the minus strand). VCF-style: chr1-56960165-G-A. GRCh37 (hg19) VCF-style: chr1-57425838-G-A.
Other names: c.-53C>T (NM_001278543.2); c.-212C>T (NM_001278544.2); short protein forms P35L.
Identifiers: ClinVar variation 2000588 (VCV002000588.4), dbSNP rs2522796098, ClinGen allele CA340512551.
Genomic context (GRCh38, chr1:56,960,165, plus strand): 5'-CTCCGCATCTGTCTGCTCTTAGCAAAGCTCTTGTTGACTGCATTTGACCCAAAGGAATGT[G>A]GCCTTTCACCTCTAAAAGTCATTATGAGAGAAGAGAGTCACGTATCAGAAGGGAATTAAG-3'
Protein context (NP_000057.3, residues 25-45): LSLPGSRGER[Pro35Leu]HSFGSNAVNK